The following is an entry in ClinVar:

ClinVar aggregate classification (germline): Pathogenic/Likely pathogenic. Review status: criteria provided, multiple submitters, no conflicts (2 of 4 stars). 3 submissions from 3 submitters: Pathogenic (1); Likely pathogenic (2). Last evaluated 2025-01-31.

Conditions:
GNE myopathy (NM). Also called: INCLUSION BODY MYOPATHY, HEREDITARY, AUTOSOMAL RECESSIVE; INCLUSION BODY MYOPATHY 2, AUTOSOMAL RECESSIVE; IBM 2; NONAKA DISTAL MYOPATHY; MYOPATHY, DISTAL, WITH OR WITHOUT RIMMED VACUOLES; Inclusion body myopathy autosomal recessive. Identifiers: Orphanet 602, MedGen C1853926, MONDO:0011603, OMIM 605820.
Sialuria. Also called: SIALURIA, FRENCH TYPE; Sialic Acid Storage Disease. Identifiers: Orphanet 3166, MedGen C0342853, MONDO:0010028, OMIM 269921.

Submissions (3):

Natera, Inc.
Classification: Likely pathogenic for Nonaka myopathy. Last evaluated: 2025-01-31. Review status: criteria provided, single submitter. Criteria: Natera Variant Classification Schema (03/2026). Collection method: clinical testing. Allele origin: germline.
Comment: The c.1736delG variant in GNE is a frameshift variant predicted to shift the reading frame beginning at codon 579 and leads to a stop codon 9 codons downstream. This variant is expected to result in nonsense mediated decay, truncation, or a dysfunctional protein product. This variant is rare in the general population with a frequency below the threshold expected for the associated phenotype(s). Given the available evidence, this variant is classified as Likely Pathogenic.

Baylor Genetics
Classification: Likely pathogenic for GNE myopathy. Last evaluated: 2024-03-24. Review status: criteria provided, single submitter. Criteria: ACMG Guidelines, 2015. Collection method: clinical testing. Allele origin: unknown.

Labcorp Genetics (formerly Invitae), Labcorp
Classification: Pathogenic for Sialuria; GNE myopathy. Last evaluated: 2024-02-23. Review status: criteria provided, single submitter. Criteria: Invitae Variant Classification Sherloc (09022015). Collection method: clinical testing. Allele origin: germline.
Comment: This sequence change creates a premature translational stop signal (p.Gly579Valfs*9) in the GNE gene. It is expected to result in an absent or disrupted protein product. Loss-of-function variants in GNE are known to be pathogenic (PMID: 24027297). This variant is not present in population databases (gnomAD no frequency). This variant has not been reported in the literature in individuals affected with GNE-related conditions. ClinVar contains an entry for this variant (Variation ID: 1451866). For these reasons, this variant has been classified as Pathogenic.

Literature cited by the submitters: PubMed 24027297 (cited by Labcorp Genetics (formerly Invitae), Labcorp).

NM_005476.7(GNE):c.1643del (p.Gly548fs)

Gene: GNE (glucosamine (UDP-N-acetyl)-2-epimerase/N-acetylmannosamine kinase; minus strand). Cytogenetic location: 9p13.3.
Variant type: Deletion.
Coding change: c.1643del on transcript NM_005476.7 (MANE Select); coding-DNA position 1643, one base deleted (G; older notation c.1643delG).
Protein change: p.Gly548fs; shifts the reading frame from glycine 548.
Molecular consequence: frameshift variant.
Genome position (GRCh38, 1-based): chr9:36,220,011, C deleted on the plus strand (G on the coding strand, the reverse complement: GNE is on the minus strand); the first of 2 consecutive C bases (chr9:36,220,011-36,220,012); deleting either gives the same sequence. VCF-style (leftmost placement, unchanged base first): chr9-36220010-AC-A. GRCh37 (hg19) VCF-style: chr9-36220007-AC-A.
Other names: c.1736del (NM_001128227.2); c.1736del, p.Gly579fs (NM_001128227.3); c.1421del, p.Gly474fs (NM_001190383.3); c.1313del, p.Gly438fs (NM_001190384.3); c.1466del, p.Gly489fs (NM_001190388.2, NM_001374798.1); c.1490del, p.Gly497fs (NM_001374797.1); c.1736delG (NM_001128227.2); short protein forms G474fs, G489fs, G579fs, G438fs, G497fs, G548fs.
Identifiers: ClinVar variation 1451866 (VCV001451866.8), dbSNP rs2133007268, ClinGen allele CA2573144637.